The following is an entry in ClinVar:

NM_001166114.2(PNPLA6):c.3399G>A (p.Ala1133=)

Gene: PNPLA6 (patatin like domain 6, lysophospholipase; plus strand). Cytogenetic location: 19p13.2.
Variant type: single nucleotide variant.
Coding change: c.3399G>A on transcript NM_001166114.2 (MANE Select); coding-DNA position 3399, G replaced by A.
Protein change: p.Ala1133=; no amino-acid change (alanine 1133 retained).
Molecular consequence: synonymous variant.
Genome position (GRCh38, 1-based): chr19:7,558,851, G>A. VCF-style: chr19-7558851-G-A. GRCh37 (hg19) VCF-style: chr19-7623737-G-A.
Other names: c.3429G>A, p.Ala1143= (NM_001166111.2); c.3204G>A, p.Ala1068= (NM_001166112.2); c.3285G>A, p.Ala1095= (NM_001166113.1, NM_006702.5).
Identifiers: ClinVar variation 1034933 (VCV001034933.8), dbSNP rs760279180, ClinGen allele CA9140480.

ClinVar aggregate classification (germline): Conflicting classifications of pathogenicity. Review status: criteria provided, conflicting classifications (1 of 4 stars). 2 submissions from 2 submitters: Uncertain significance (1); Likely benign (1). Last evaluated 2024-12-02.

Conditions:
Hereditary spastic paraplegia 39 (SPG39). Also called: Spastic Paraplegia Type 39 (SPG39); SPASTIC PARAPLEGIA 39, AUTOSOMAL RECESSIVE. Identifiers: Orphanet 139480, MedGen C2677586, MONDO:0012787, OMIM 612020.

Allele frequency attached by ClinVar (database versions not stated): gnomAD exomes 0.00002 and 0.00004; gnomAD 0.00003 and 0.00004; ExAC 0.00006; TOPMed 0.00008.
gnomAD v4.1: 42 of 1,606,480 alleles (0.0026%); highest among the groups gnomAD compares: Admixed American, 0.017%; no homozygotes.

Submissions (2):

Labcorp Genetics (formerly Invitae), Labcorp
Classification: Uncertain significance for Hereditary spastic paraplegia 39. Last evaluated: 2024-12-02. Review status: criteria provided, single submitter. Criteria: Invitae Variant Classification Sherloc (09022015). Collection method: clinical testing. Allele origin: germline.
Comment: This sequence change affects codon 1095 of the PNPLA6 mRNA. It is a 'silent' change, meaning that it does not change the encoded amino acid sequence of the PNPLA6 protein. This variant is present in population databases (rs760279180, gnomAD 0.01%). This variant has not been reported in the literature in individuals affected with PNPLA6-related conditions. ClinVar contains an entry for this variant (Variation ID: 1034933). Algorithms developed to predict the effect of sequence changes on RNA splicing suggest that this variant may create or strengthen a splice site. In summary, the available evidence is currently insufficient to determine the role of this variant in disease. Therefore, it has been classified as a Variant of Uncertain Significance.

Blueprint Genetics
Classification: Likely benign. Last evaluated: 2024-09-12. Review status: criteria provided, single submitter. Criteria: ACMG Guidelines, 2015. Collection method: clinical testing. Allele origin: germline.